The following is an entry in ClinVar:

NM_152701.5(ABCA13):c.7608G>A (p.Met2536Ile)

Gene: ABCA13 (ATP binding cassette subfamily A member 13; plus strand). Cytogenetic location: 7p12.3.
Variant type: single nucleotide variant.
Coding change: c.7608G>A on transcript NM_152701.5 (MANE Select); coding-DNA position 7608, G replaced by A.
Protein change: p.Met2536Ile; replaces methionine 2536 with isoleucine.
Molecular consequence: missense variant.
Genome position (GRCh38, 1-based): chr7:48,278,802, G>A. VCF-style: chr7-48278802-G-A. GRCh37 (hg19) VCF-style: chr7-48318399-G-A.
Other names: short protein forms M2536I.
Identifiers: ClinVar variation 2349510 (VCV002349510.26), dbSNP rs199548845, ClinGen allele CA4257552.

ClinVar aggregate classification (germline): Conflicting classifications of pathogenicity. Review status: criteria provided, conflicting classifications (1 of 4 stars). 2 submissions from 2 submitters: Uncertain significance (1); Likely benign (1). Last evaluated 2025-01-04.

Allele frequency attached by ClinVar (database versions not stated): ExAC 0.00006; ESP Exome Variant Server 0.00008; gnomAD exomes 0.00009; TOPMed 0.00009; gnomAD 0.00015.
gnomAD v4.1: 158 of 1,613,742 alleles (0.0098%); highest among the groups gnomAD compares: Non-Finnish European, 0.013%; no homozygotes.

Submissions (2):

Ambry Genetics
Classification: Uncertain significance. Last evaluated: 2025-01-04. Review status: criteria provided, single submitter. Criteria: Ambry Variant Classification Scheme 2023. Collection method: clinical testing. Allele origin: germline.

CeGaT Center for Human Genetics Tuebingen
Classification: Likely benign. Last evaluated: 2024-09-01. Review status: criteria provided, single submitter. Criteria: CeGaT Center For Human Genetics Tuebingen Variant Classification Criteria Version 2. Collection method: clinical testing. Allele origin: germline. Affected: yes. Observed: 1 variant allele.
Comment: ABCA13: BP4